The following is an entry in ClinVar:

NM_000448.3(RAG1):c.310C>G (p.Gln104Glu)

Gene: RAG1 (recombination activating 1; plus strand). Cytogenetic location: 11p12.
Variant type: single nucleotide variant.
Coding change: c.310C>G on transcript NM_000448.3 (MANE Select); coding-DNA position 310, C replaced by G.
Protein change: p.Gln104Glu; replaces glutamine 104 with glutamic acid.
Molecular consequence: missense variant.
Genome position (GRCh38, 1-based): chr11:36,573,614, C>G. VCF-style: chr11-36573614-C-G. GRCh37 (hg19) VCF-style: chr11-36595164-C-G.
Other names: c.310C>G, p.Gln104Glu (NM_001377277.1, NM_001377278.1, NM_001377279.1 and 1 more transcripts); short protein forms Q104E.
Identifiers: ClinVar variation 1000868 (VCV001000868.8), dbSNP rs991160720, ClinGen allele CA220600077.

ClinVar aggregate classification (germline): Uncertain significance (1 of 4 stars; one submission).

Conditions:
Severe combined immunodeficiency, autosomal recessive, T cell-negative, B cell-negative, NK cell-positive. Also called: SCID, T CELL-NEGATIVE, B CELL-NEGATIVE, NK CELL-POSITIVE; Severe combined immunodeficiency due to complete RAG1/2 deficiency; SCID, AR, T-cell negative, B-cell negative, NK cell-positive. Identifiers: Orphanet 331206, MedGen C1832322, MONDO:0011086, OMIM 601457.
Combined immunodeficiency with skin granulomas. Identifiers: Orphanet 157949, MedGen C2673536, MONDO:0009306, OMIM 233650.

Allele frequency attached by ClinVar (database versions not stated): gnomAD exomes below 0.00001; TOPMed below 0.00001.
gnomAD v4.1: 2 of 1,614,180 alleles (0.00012%); highest among the groups gnomAD compares: Non-Finnish European, 0.00017%; no homozygotes.

Submission:

Labcorp Genetics (formerly Invitae), Labcorp
Classification: Uncertain significance for Combined immunodeficiency with skin granulomas; Severe combined immunodeficiency, autosomal recessive, T cell-negative, B cell-negative, NK cell-positive. Last evaluated: 2023-10-13. Review status: criteria provided, single submitter. Criteria: Invitae Variant Classification Sherloc (09022015). Collection method: clinical testing. Allele origin: germline.
Comment: This sequence change replaces glutamine, which is neutral and polar, with glutamic acid, which is acidic and polar, at codon 104 of the RAG1 protein (p.Gln104Glu). This variant is not present in population databases (gnomAD no frequency). This variant has not been reported in the literature in individuals affected with RAG1-related conditions. ClinVar contains an entry for this variant (Variation ID: 1000868). Advanced modeling of protein sequence and biophysical properties (such as structural, functional, and spatial information, amino acid conservation, physicochemical variation, residue mobility, and thermodynamic stability) performed at Invitae indicates that this missense variant is not expected to disrupt RAG1 protein function. In summary, the available evidence is currently insufficient to determine the role of this variant in disease. Therefore, it has been classified as a Variant of Uncertain Significance.